The following is an entry in ClinVar:

ClinVar aggregate classification (germline): Uncertain significance. Review status: criteria provided, multiple submitters, no conflicts (2 of 4 stars). 4 submissions from 4 submitters: Uncertain significance (4). Last evaluated 2025-12-09.

Conditions:
Hereditary cancer-predisposing syndrome. Also called: Hereditary neoplastic syndrome; Neoplastic Syndromes, Hereditary; Tumor predisposition; Hereditary Cancer Syndrome. Identifiers: Orphanet 140162, MedGen C0027672, MeSH D009386, MONDO:0015356.
Oligodontia-cancer predisposition syndrome. Also called: TOOTH AGENESIS-COLORECTAL CANCER SYNDROME. Identifiers: Orphanet 300576, MedGen C1837750, MONDO:0012075, OMIM 608615. Disease mechanism: loss of function.

gnomAD v4.1: 1 of 1,613,194 alleles (0.000062%); highest among the groups gnomAD compares: African/African-American, 0.0013%; no homozygotes.

Submissions (4):

Labcorp Genetics (formerly Invitae), Labcorp
Classification: Uncertain significance for Oligodontia-cancer predisposition syndrome. Last evaluated: 2025-12-09. Review status: criteria provided, single submitter. Criteria: Invitae Variant Classification Sherloc (09022015). Collection method: clinical testing. Allele origin: germline.
Comment: This sequence change replaces proline, which is neutral and non-polar, with leucine, which is neutral and non-polar, at codon 634 of the AXIN2 protein (p.Pro634Leu). This variant is not present in population databases (gnomAD no frequency). This variant has not been reported in the literature in individuals affected with AXIN2-related conditions. ClinVar contains an entry for this variant (Variation ID: 422157). Invitae Evidence Modeling of protein sequence and biophysical properties (such as structural, functional, and spatial information, amino acid conservation, physicochemical variation, residue mobility, and thermodynamic stability) indicates that this missense variant is not expected to disrupt AXIN2 protein function with a negative predictive value of 80%. In summary, the available evidence is currently insufficient to determine the role of this variant in disease. Therefore, it has been classified as a Variant of Uncertain Significance.

GeneDx
Classification: Uncertain significance. Last evaluated: 2025-04-01. Review status: criteria provided, single submitter. Criteria: GeneDx Variant Classification Process June 2021. Collection method: clinical testing. Allele origin: germline. Affected: yes.
Comment: Not observed at significant frequency in large population cohorts (gnomAD); In silico analysis supports that this missense variant has a deleterious effect on protein structure/function; Has not been previously published as pathogenic or benign to our knowledge; This variant is associated with the following publications: (PMID: 24265154)

Ambry Genetics
Classification: Uncertain significance for Hereditary cancer-predisposing syndrome. Last evaluated: 2024-02-23. Review status: criteria provided, single submitter. Criteria: Ambry Variant Classification Scheme 2023. Collection method: clinical testing. Allele origin: germline.
Comment: The p.P634L variant (also known as c.1901C>T), located in coding exon 6 of the AXIN2 gene, results from a C to T substitution at nucleotide position 1901. The proline at codon 634 is replaced by leucine, an amino acid with similar properties. This amino acid position is conserved. In addition, this alteration is predicted to be tolerated by in silico analysis. Since supporting evidence is limited at this time, the clinical significance of this alteration remains unclear.

Sema4
Classification: Uncertain significance for Hereditary cancer-predisposing syndrome. Last evaluated: 2021-09-13. Review status: criteria provided, single submitter. Criteria: Sema4 Curation Guidelines. Collection method: curation. Allele origin: germline.
Comment: The AXIN2 c.1901C>T (p.P634L) variant has not been reported in literature to our knowledge. It was not observed in the large and broad cohorts of the Genome Aggregation Database (PMID: 32461654). This variant has been reported in ClinVar (Variation ID 422157). Functional studies have not been performed, and in silico predictions of the variant's effect on protein function are inconclusive. The overall evidence is insufficient to meet ACMG/AMP criteria for classifying it as benign or pathogenic. In summary, the clinical significance of this variant is currently uncertain.

NM_004655.4(AXIN2):c.1901C>T (p.Pro634Leu)

Gene: AXIN2 (axin 2; minus strand). Cytogenetic location: 17q24.1.
Variant type: single nucleotide variant.
Coding change: c.1901C>T on transcript NM_004655.4 (MANE Select); coding-DNA position 1901, C replaced by T.
Protein change: p.Pro634Leu; replaces proline 634 with leucine.
Molecular consequence: missense variant. On other transcripts: intron variant (1).
Genome position (GRCh38, 1-based): chr17:65,536,875, G>A on the plus strand (C>T on the coding strand, the complement: AXIN2 is on the minus strand). VCF-style: chr17-65536875-G-A. GRCh37 (hg19) VCF-style: chr17-63532993-G-A.
Other names: c.1901C>T (LRG_296t1); c.1713-322C>T (NM_001363813.1); short protein forms P634L.
Identifiers: ClinVar variation 422157 (VCV000422157.16), dbSNP rs373042042, ClinGen allele CA16620565.